The following is an entry in ClinVar:

NM_000057.4(BLM):c.1165G>A (p.Asp389Asn)

Gene: BLM (BLM RecQ like helicase; plus strand). Cytogenetic location: 15q26.1.
Variant type: single nucleotide variant.
Coding change: c.1165G>A on transcript NM_000057.4 (MANE Select); coding-DNA position 1165, G replaced by A.
Protein change: p.Asp389Asn; replaces aspartic acid 389 with asparagine.
Molecular consequence: missense variant.
Genome position (GRCh38, 1-based): chr15:90,760,224, G>A. VCF-style: chr15-90760224-G-A. GRCh37 (hg19) VCF-style: chr15-91303454-G-A.
Other names: c.1165G>A, p.Asp389Asn (NM_001287246.2, NM_001287247.2); c.40G>A, p.Asp14Asn (NM_001287248.2); short protein forms D14N, D389N.
Identifiers: ClinVar variation 3824434 (VCV003824434.1).

ClinVar aggregate classification (germline): Uncertain significance (1 of 4 stars; one submission).

Conditions:
Hereditary cancer-predisposing syndrome. Also called: Hereditary neoplastic syndrome; Neoplastic Syndromes, Hereditary; Tumor predisposition; Hereditary Cancer Syndrome. Identifiers: Orphanet 140162, MedGen C0027672, MeSH D009386, MONDO:0015356.

Submission:

Ambry Genetics
Classification: Uncertain significance for Hereditary cancer-predisposing syndrome. Last evaluated: 2024-12-15. Review status: criteria provided, single submitter. Criteria: Ambry Variant Classification Scheme 2023. Collection method: clinical testing. Allele origin: germline.
Comment: The p.D389N variant (also known as c.1165G>A), located in coding exon 5 of the BLM gene, results from a G to A substitution at nucleotide position 1165. The aspartic acid at codon 389 is replaced by asparagine, an amino acid with highly similar properties. This amino acid position is conserved. In addition, this alteration is predicted to be tolerated by in silico analysis. Based on the available evidence, the clinical significance of this variant remains unclear.